The following is an entry in ClinVar:

NM_001042492.3(NF1):c.3084_3106dup (p.Lys1036delinsThrSerHisPheAlaLysArgTer)

Gene: NF1 (neurofibromin 1; plus strand). Cytogenetic location: 17q11.2.
Variant type: Duplication.
Coding change: c.3084_3106dup on transcript NM_001042492.3 (MANE Select); coding-DNA positions 3084 to 3106, 23 bases duplicated (CCTCTCATTTTGCCAAGAGATGA).
Protein change: p.Lys1036delinsThrSerHisPheAlaLysArgTer.
Molecular consequence: nonsense. On other transcripts: frameshift variant (1).
Genome position (GRCh38, 1-based): chr17:31,230,353-31,230,375, CCTCTCATTTTGCCAAGAGATGA duplicated; duplicating any 23 consecutive bases within chr17:31,230,345-31,230,375 gives the same sequence; the c. name uses the placement nearest the transcript's 3' end. VCF-style (leftmost placement, unchanged base first): chr17-31230344-G-GAGAGATGACCTCTCATTTTGCCA. GRCh37 (hg19) VCF-style: chr17-29557362-G-GAGAGATGACCTCTCATTTTGCCA.
Other names: c.3084_3106dupCCTCTCATTTTGCCAAGAGATGA (NM_000267.3); c.3084_3106dup, p.Lys1036Thrfs (NM_000267.4).
Identifiers: ClinVar variation 3879057 (VCV003879057.1).

ClinVar aggregate classification (germline): Pathogenic (1 of 4 stars; one submission).

Conditions:
Cardiovascular phenotype. Identifiers: MedGen CN230736.
Hereditary cancer-predisposing syndrome. Also called: Tumor predisposition; Neoplastic Syndromes, Hereditary; Hereditary Cancer Syndrome; Hereditary neoplastic syndrome. Identifiers: Orphanet 140162, MedGen C0027672, MeSH D009386, MONDO:0015356.

Submission:

Ambry Genetics
Classification: Pathogenic for Cardiovascular phenotype; Hereditary cancer-predisposing syndrome. Last evaluated: 2025-01-28. Review status: criteria provided, single submitter. Criteria: Ambry Variant Classification Scheme 2023. Collection method: clinical testing. Allele origin: germline.
Comment: The c.3084_3106dup23 variant, located in coding exon 23 of the NF1 gene, results from a duplication of 23 nucleotides at positions 3084 to 3106, causing a translational frameshift with a predicted alternate stop codon (p.K1036Tfs*8). This variant was reported in individual(s) with features consistent with Neurofibromatosis type 1 (Ambry internal data). This variant is considered to be rare based on population cohorts in the Genome Aggregation Database (gnomAD). This alteration is expected to result in loss of function by premature protein truncation or nonsense-mediated mRNA decay. As such, this alteration is interpreted as a disease-causing mutation.